The following is an entry in ClinVar:

ClinVar aggregate classification (germline): Uncertain significance (1 of 4 stars; one submission).

Conditions:
Familial colorectal cancer. Identifiers: MedGen CN280943, MONDO:0023113. Disease mechanism: loss of function.

Submission:

Labcorp Genetics (formerly Invitae), Labcorp
Classification: Uncertain significance for Familial colorectal cancer. Last evaluated: 2023-08-03. Review status: criteria provided, single submitter. Criteria: Invitae Variant Classification Sherloc (09022015). Collection method: clinical testing. Allele origin: unknown.
Comment: In summary, the available evidence is currently insufficient to determine the role of this variant in disease. Therefore, it has been classified as a Variant of Uncertain Significance. Two different tandem duplications (40 kb and 16 kb) spanning the 3' end of the SCG5 gene and the region upstream of the GREM1 gene have been reported in families with hereditary mixed polyposis syndrome (PMID: 22561515, 25992589, 26493165). However, the gain identified in this individual is different from those variants, and therefore the impact of the additional duplicated sequences on GREM1 expression and function has not been established. This variant results in a copy number gain of the genomic region encompassing the promoter of the GREM1 gene. The precise boundaries of this event are unknown.

Literature cited by the submitters: PubMed 22561515; PubMed 25992589; PubMed 26493165.

NC_000015.9:g.(?_33004838)_(33023446_?)dup

Gene: GREM1 (gremlin 1, DAN family BMP antagonist; plus strand). Cytogenetic location: 15q13.3.
Variant type: Duplication.
Identifiers: ClinVar variation 3243827 (VCV003243827.1).